The following is an entry in ClinVar:

NM_018557.3(LRP1B):c.8663-12dup

Gene: LRP1B (LDL receptor related protein 1B; minus strand). Cytogenetic location: 2q22.1.
Variant type: Duplication.
Coding change: c.8663-12dup on transcript NM_018557.3 (MANE Select); 12 bases into the intron before coding-DNA position 8663, one base duplicated (T; older notation c.8663-12dupT).
Molecular consequence: intron variant.
Genome position (GRCh38, 1-based): chr2:140,501,879, A duplicated on the plus strand (T on the coding strand, the reverse complement: LRP1B is on the minus strand); the first of 8 consecutive A bases (chr2:140,501,879-140,501,886); duplicating any one gives the same sequence. VCF-style (leftmost placement, unchanged base first): chr2-140501878-G-GA. GRCh37 (hg19) VCF-style: chr2-141259447-G-GA.
Identifiers: ClinVar variation 729113 (VCV000729113.5), dbSNP rs202023981, ClinGen allele CA1893904.
Genomic context (GRCh38, chr2:140,501,878, plus strand): 5'-CACTGGGAATGCACCTGCCATTTTTGCACATAAAAAATGAACTGTTGCATGACTGTTCTG[G>GA]AAAAAAAATAAAACAAATGGAACATAAAGGGCATGCCATTGTTTTATACTACAGTTGTTG-3'

ClinVar aggregate classification (germline): Benign. Review status: criteria provided, single submitter (1 of 4 stars). 2 submissions from 2 submitters: Benign (1). 1 of the submissions does not count toward it. Last evaluated 2018-01-30.

Conditions:
LRP1B-related disorder. Also called: LRP1B-related condition.

Submissions (2):

Labcorp Genetics (formerly Invitae), Labcorp
Classification: Benign. Last evaluated: 2018-01-30. Review status: criteria provided, single submitter. Criteria: Invitae Variant Classification Sherloc (09022015). Collection method: clinical testing. Allele origin: germline.

PreventionGenetics, part of Exact Sciences
Classification: Benign for LRP1B-related condition. Last evaluated: 2019-03-21. Review status: no assertion criteria provided. Collection method: clinical testing. Allele origin: germline. Not counted in ClinVar's aggregate classification.
Comment: This variant is classified as benign based on ACMG/AMP sequence variant interpretation guidelines (Richards et al. 2015 PMID: 25741868, with internal and published modifications).